The following is an entry in ClinVar:

ClinVar aggregate classification (germline): Benign/Likely benign. Review status: criteria provided, multiple submitters, no conflicts (2 of 4 stars). 4 submissions from 4 submitters: Benign (2); Likely benign (1). 1 of the submissions does not count toward it. Last evaluated 2026-02-01.

Conditions:
RB1-related disorder. Also called: RB1-related condition.
Retinoblastoma (RB1). Also called: RETINOBLASTOMA, SOMATIC. Identifiers: Orphanet 790, MedGen C0035335, MeSH D012175, MONDO:0008380, OMIM 180200, HP:0009919. Disease mechanism: loss of function. Inheritance: Both sporadic and heritable forms are tested..

Submissions (5):

Labcorp Genetics (formerly Invitae), Labcorp
Classification: Benign for Retinoblastoma. Last evaluated: 2026-02-01. Review status: criteria provided, single submitter. Criteria: Invitae Variant Classification Sherloc (09022015). Collection method: clinical testing. Allele origin: germline.

All of Us Research Program, National Institutes of Health
Classification: Likely benign for Retinoblastoma. Last evaluated: 2023-11-30. Review status: criteria provided, single submitter. Criteria: ACMG Guidelines, 2015. Collection method: clinical testing. Allele origin: germline. Inheritance: Autosomal dominant inheritance. Observed: 2 variant alleles, 2 heterozygotes.
Comment: This study involves interpretation of variants in research participants for the purpose of population health screening. Participant phenotype was not available at the time of variant classification. Additional details can be found in publication PMID: 35346344, PMCID: PMC8962531

GeneDx
Classification: Benign. Last evaluated: 2018-06-21. Review status: criteria provided, single submitter. Criteria: GeneDx Variant Classification Process June 2021. Collection method: clinical testing. Allele origin: germline. Affected: yes.

PreventionGenetics, part of Exact Sciences
Classification: Likely benign for RB1-related condition. Last evaluated: 2020-06-02. Review status: no assertion criteria provided. Collection method: clinical testing. Allele origin: germline. Not counted in ClinVar's aggregate classification.
Comment: This variant is classified as likely benign based on ACMG/AMP sequence variant interpretation guidelines (Richards et al. 2015 PMID: 25741868, with internal and published modifications).

Dr. Peter K. Rogan Lab, Western University
No classification provided (evidence only). Condition: Acute myeloid leukemia. Review status: no classification provided. Collection method: in vitro. Allele origin: not applicable. Functional consequence: skipped exon. Not counted in ClinVar's aggregate classification.

NM_000321.3(RB1):c.2212-12G>T

Gene: RB1 (RB transcriptional corepressor 1; plus strand). Cytogenetic location: 13q14.2.
Variant type: single nucleotide variant.
Coding change: c.2212-12G>T on transcript NM_000321.3 (MANE Select); 12 bases into the intron before coding-DNA position 2212, G replaced by T.
Molecular consequence: intron variant.
Genome position (GRCh38, 1-based): chr13:48,464,986, G>T. VCF-style: chr13-48464986-G-T. GRCh37 (hg19) VCF-style: chr13-49039122-G-T.
Other names: c.2212-12G>T (NM_000321.2).
Identifiers: ClinVar variation 1292752 (VCV001292752.10), dbSNP rs776987458, ClinGen allele CA034575.